The following is an entry in ClinVar:

ClinVar aggregate classification (germline): Uncertain significance (1 of 4 stars; one submission).

Allele frequency attached by ClinVar (database versions not stated): gnomAD exomes below 0.00001; TOPMed below 0.00001.
gnomAD v4.1: 2 of 1,613,782 alleles (0.00012%); highest among the groups gnomAD compares: Non-Finnish European, 0.00017%; no homozygotes.

Submission:

Labcorp Genetics (formerly Invitae), Labcorp
Classification: Uncertain significance. Last evaluated: 2021-12-28. Review status: criteria provided, single submitter. Criteria: Invitae Variant Classification Sherloc (09022015). Collection method: clinical testing. Allele origin: germline.
Comment: In summary, the available evidence is currently insufficient to determine the role of this variant in disease. Therefore, it has been classified as a Variant of Uncertain Significance. Algorithms developed to predict the effect of missense changes on protein structure and function (SIFT, PolyPhen-2, Align-GVGD) all suggest that this variant is likely to be disruptive. This variant has not been reported in the literature in individuals affected with HERC1-related conditions. This variant is not present in population databases (gnomAD no frequency). This sequence change replaces methionine, which is neutral and non-polar, with threonine, which is neutral and polar, at codon 3570 of the HERC1 protein (p.Met3570Thr).

NM_003922.4(HERC1):c.10709T>C (p.Met3570Thr)

Gene: HERC1 (HECT and RLD domain containing E3 ubiquitin protein ligase family member 1; minus strand). Cytogenetic location: 15q22.31.
Variant type: single nucleotide variant.
Coding change: c.10709T>C on transcript NM_003922.4 (MANE Select); coding-DNA position 10709, T replaced by C.
Protein change: p.Met3570Thr; replaces methionine 3570 with threonine.
Molecular consequence: missense variant.
Genome position (GRCh38, 1-based): chr15:63,649,763, A>G on the plus strand (T>C on the coding strand, the complement: HERC1 is on the minus strand). VCF-style: chr15-63649763-A-G. GRCh37 (hg19) VCF-style: chr15-63941962-A-G.
Other names: short protein forms M3570T.
Identifiers: ClinVar variation 2062085 (VCV002062085.4), dbSNP rs1242567179, ClinGen allele CA392752041.